The following is an entry in ClinVar:

ClinVar aggregate classification (germline): Likely benign. Review status: criteria provided, multiple submitters, no conflicts (2 of 4 stars). 3 submissions from 3 submitters: Likely benign (3). Last evaluated 2025-10-02.

Conditions:
Cardiovascular phenotype. Identifiers: MedGen CN230736.
TTN-related disorder. Also called: TTN-related disorders; TTN-related condition; TTN-related disease.
Dilated cardiomyopathy 1G (CMD1G). Identifiers: Orphanet 154, MedGen C1858763, MONDO:0011400, OMIM 604145.
Autosomal recessive limb-girdle muscular dystrophy type 2J (LGMDR10). Also called: Limb-girdle muscular dystrophy, type 2J; MUSCULAR DYSTROPHY, LIMB-GIRDLE, AUTOSOMAL RECESSIVE 10. Identifiers: Orphanet 140922, MedGen C1837342, MONDO:0012127, OMIM 608807.

Allele frequency attached by ClinVar (database versions not stated): ExAC 0.00001; gnomAD exomes 0.00001; gnomAD 0.00005 and 0.00006; TOPMed 0.00010.

Submissions (3):

Labcorp Genetics (formerly Invitae), Labcorp
Classification: Likely benign for Dilated cardiomyopathy 1G; Autosomal recessive limb-girdle muscular dystrophy type 2J. Last evaluated: 2025-10-02. Review status: criteria provided, single submitter. Criteria: Invitae Variant Classification Sherloc (09022015). Collection method: clinical testing. Allele origin: germline.

PreventionGenetics, part of Exact Sciences
Classification: Likely benign for TTN-related condition. Last evaluated: 2025-05-07. Review status: criteria provided, single submitter. Criteria: ACMG Guidelines, 2015. Collection method: clinical testing. Allele origin: germline.
Comment: This variant is classified as likely benign based on ACMG/AMP sequence variant interpretation guidelines (Richards et al. 2015 PMID: 25741868, with internal and published modifications).

Ambry Genetics
Classification: Likely benign for Cardiovascular phenotype. Last evaluated: 2019-07-15. Review status: criteria provided, single submitter. Criteria: Ambry Variant Classification Scheme 2023. Collection method: clinical testing. Allele origin: germline.

NM_001267550.2(TTN):c.49740T>C (p.Gly16580=)

Genes: TTN (titin; minus strand), TTN-AS1 (TTN antisense RNA 1; plus strand). Cytogenetic location: 2q31.2.
Variant type: single nucleotide variant.
Coding change: c.49740T>C on transcript NM_001267550.2 (MANE Select); coding-DNA position 49740, T replaced by C.
Protein change: p.Gly16580=; no amino-acid change (glycine 16580 retained).
Molecular consequence: synonymous variant.
Genome position (GRCh38, 1-based): chr2:178,612,981, A>G on the plus strand (T>C on the coding strand, the complement: TTN is on the minus strand). VCF-style: chr2-178612981-A-G. GRCh37 (hg19) VCF-style: chr2-179477708-A-G.
Other names: c.44817T>C, p.Gly14939= (NM_001256850.1); c.22545T>C, p.Gly7515= (NM_003319.4); c.42036T>C, p.Gly14012= (NM_133378.4); c.22920T>C, p.Gly7640= (NM_133432.3); c.23121T>C, p.Gly7707= (NM_133437.4).
Identifiers: ClinVar variation 1092323 (VCV001092323.12), dbSNP rs763857395, ClinGen allele CA1994522.